The following is an entry in ClinVar:

ClinVar aggregate classification (germline): Uncertain significance (1 of 4 stars; one submission).

Submission:

Labcorp Genetics (formerly Invitae), Labcorp
Classification: Uncertain significance. Last evaluated: 2023-10-17. Review status: criteria provided, single submitter. Criteria: Invitae Variant Classification Sherloc (09022015). Collection method: clinical testing. Allele origin: germline.
Comment: This sequence change replaces arginine, which is basic and polar, with cysteine, which is neutral and slightly polar, at codon 171 of the NOG protein (p.Arg171Cys). This variant is not present in population databases (gnomAD no frequency). This variant has not been reported in the literature in individuals affected with NOG-related conditions. An algorithm developed to predict the effect of missense changes on protein structure and function (PolyPhen-2) suggests that this variant is likely to be disruptive. In summary, the available evidence is currently insufficient to determine the role of this variant in disease. Therefore, it has been classified as a Variant of Uncertain Significance.

NM_005450.6(NOG):c.511C>T (p.Arg171Cys)

Gene: NOG (noggin; plus strand). Cytogenetic location: 17q22.
Variant type: single nucleotide variant.
Coding change: c.511C>T on transcript NM_005450.6 (MANE Select); coding-DNA position 511, C replaced by T.
Protein change: p.Arg171Cys; replaces arginine 171 with cysteine.
Molecular consequence: missense variant.
Genome position (GRCh38, 1-based): chr17:56,594,734, C>T. VCF-style: chr17-56594734-C-T. GRCh37 (hg19) VCF-style: chr17-54672095-C-T.
Other names: short protein forms R171C.
Identifiers: ClinVar variation 2769660 (VCV002769660.3), dbSNP rs2545137827, ClinGen allele CA399966464.